The following is an entry in ClinVar:

ClinVar aggregate classification (germline): Benign/Likely benign. Review status: criteria provided, multiple submitters, no conflicts (2 of 4 stars). 4 submissions from 4 submitters: Benign (1); Likely benign (3). Last evaluated 2026-01-08.

Conditions:
Birt-Hogg-Dube syndrome 1 (BHD1). Also called: FIBROFOLLICULOMAS WITH TRICHODISCOMAS AND ACROCHORDONS. Identifiers: Orphanet 122, MedGen CN375946, MONDO:0800445, OMIM 135150.
Hereditary cancer-predisposing syndrome. Also called: Hereditary neoplastic syndrome; Neoplastic Syndromes, Hereditary; Hereditary Cancer Syndrome; Tumor predisposition. Identifiers: Orphanet 140162, MedGen C0027672, MeSH D009386, MONDO:0015356.
Birt-Hogg-Dube syndrome. Also called: Birt Hogg Dubé syndrome. Identifiers: Orphanet 122, MedGen C0346010, MONDO:0800444.

Allele frequency attached by ClinVar (database versions not stated): gnomAD 0.00001 and 0.00002; TOPMed 0.00002; ExAC 0.00003; gnomAD exomes 0.00004.
gnomAD v4.1: 33 of 1,613,954 alleles (0.002%); highest among the groups gnomAD compares: Middle Eastern, 0.049%; 1 homozygote.

Submissions (4):

Labcorp Genetics (formerly Invitae), Labcorp
Classification: Likely benign for Birt-Hogg-Dube syndrome. Last evaluated: 2026-01-08. Review status: criteria provided, single submitter. Criteria: Invitae Variant Classification Sherloc (09022015). Collection method: clinical testing. Allele origin: germline.

Myriad Genetics, Inc.
Classification: Benign for Birt-Hogg-Dube syndrome 1. Last evaluated: 2024-10-22. Review status: criteria provided, single submitter. Criteria: Myriad Autosomal Dominant, Autosomal Recessive and X-Linked Classification Criteria (2023). Collection method: clinical testing. Allele origin: unknown.
Comment: This variant is considered benign. This variant is a silent/synonymous amino acid change and it is not expected to impact splicing.

CeGaT Center for Human Genetics Tuebingen
Classification: Likely benign. Last evaluated: 2022-12-01. Review status: criteria provided, single submitter. Criteria: CeGaT Center For Human Genetics Tuebingen Variant Classification Criteria Version 2. Collection method: clinical testing. Allele origin: germline. Affected: yes. Observed: 2 variant alleles.
Comment: FLCN: BP4, BP7

Ambry Genetics
Classification: Likely benign for Hereditary cancer-predisposing syndrome. Last evaluated: 2016-12-28. Review status: criteria provided, single submitter. Criteria: Ambry Variant Classification Scheme 2023. Collection method: clinical testing. Allele origin: germline.

NM_144997.7(FLCN):c.207C>T (p.Val69=)

Gene: FLCN (folliculin; minus strand). Cytogenetic location: 17p11.2.
Variant type: single nucleotide variant.
Coding change: c.207C>T on transcript NM_144997.7 (MANE Select); coding-DNA position 207, C replaced by T.
Protein change: p.Val69=; no amino-acid change (valine 69 retained).
Molecular consequence: synonymous variant.
Genome position (GRCh38, 1-based): chr17:17,227,931, G>A on the plus strand (C>T on the coding strand, the complement: FLCN is on the minus strand). VCF-style: chr17-17227931-G-A. GRCh37 (hg19) VCF-style: chr17-17131245-G-A.
Other names: c.207C>T (LRG_325t1); c.207C>T, p.Val69= (NM_001353229.2, NM_001353230.2, NM_001353231.2 and 1 more transcripts).
Identifiers: ClinVar variation 485591 (VCV000485591.52), dbSNP rs759772780, ClinGen allele CA8416496.